The following is an entry in ClinVar:

NM_003823.4(TNFRSF6B):c.527C>A (p.Ala176Asp)

Genes: RTEL1-TNFRSF6B (RTEL1-TNFRSF6B readthrough (NMD candidate); plus strand), TNFRSF6B (TNF receptor superfamily member 6b; plus strand). Cytogenetic location: 20q13.33.
Variant type: single nucleotide variant.
Coding change: c.527C>A on transcript NM_003823.4 (MANE Select); coding-DNA position 527, C replaced by A.
Protein change: p.Ala176Asp; replaces alanine 176 with aspartic acid.
Molecular consequence: missense variant. On other transcripts: non-coding transcript variant (1).
Genome position (GRCh38, 1-based): chr20:63,697,430, C>A. VCF-style: chr20-63697430-C-A. GRCh37 (hg19) VCF-style: chr20-62328783-C-A.
Other names: short protein forms A176D.
Identifiers: ClinVar variation 3677729 (VCV003677729.2).

ClinVar aggregate classification (germline): Uncertain significance (1 of 4 stars; one submission).

Submission:

Labcorp Genetics (formerly Invitae), Labcorp
Classification: Uncertain significance. Last evaluated: 2024-04-10. Review status: criteria provided, single submitter. Criteria: Invitae Variant Classification Sherloc (09022015). Collection method: clinical testing. Allele origin: germline.
Comment: This sequence change replaces alanine, which is neutral and non-polar, with aspartic acid, which is acidic and polar, at codon 176 of the TNFRSF6B protein (p.Ala176Asp). This variant is not present in population databases (gnomAD no frequency). This variant has not been reported in the literature in individuals affected with TNFRSF6B-related conditions. An algorithm developed to predict the effect of missense changes on protein structure and function (PolyPhen-2) suggests that this variant is likely to be disruptive. In summary, the available evidence is currently insufficient to determine the role of this variant in disease. Therefore, it has been classified as a Variant of Uncertain Significance.